The following is an entry in ClinVar:

NM_004268.5(MED17):c.1054A>T (p.Lys352Ter)

Gene: MED17 (mediator complex subunit 17; plus strand). Cytogenetic location: 11q21.
Variant type: single nucleotide variant.
Coding change: c.1054A>T on transcript NM_004268.5 (MANE Select); coding-DNA position 1054, A replaced by T.
Protein change: p.Lys352Ter; replaces lysine 352 with a stop codon.
Molecular consequence: nonsense.
Genome position (GRCh38, 1-based): chr11:93,796,451, A>T. VCF-style: chr11-93796451-A-T. GRCh37 (hg19) VCF-style: chr11-93529617-A-T.
Other names: short protein forms K352*.
Identifiers: ClinVar variation 1374712 (VCV001374712.6), dbSNP rs2135714806, ClinGen allele CA382357324.

ClinVar aggregate classification (germline): Pathogenic (1 of 4 stars; one submission).

Submission:

Labcorp Genetics (formerly Invitae), Labcorp
Classification: Pathogenic. Last evaluated: 2021-07-18. Review status: criteria provided, single submitter. Criteria: Invitae Variant Classification Sherloc (09022015). Collection method: clinical testing. Allele origin: germline.
Comment: This sequence change creates a premature translational stop signal (p.Lys352*) in the MED17 gene. It is expected to result in an absent or disrupted protein product. Loss-of-function variants in MED17 are known to be pathogenic (PMID: 20950787, 26004231, 30345598). For these reasons, this variant has been classified as Pathogenic. This variant has not been reported in the literature in individuals affected with MED17-related conditions. This variant is not present in population databases (ExAC no frequency).

Literature cited by the submitters: PubMed 20950787; PubMed 26004231; PubMed 30345598.